The following is an entry in ClinVar:

NM_006648.4(WNK2):c.3478G>A (p.Gly1160Ser)

Gene: WNK2 (WNK lysine deficient protein kinase 2; plus strand). Cytogenetic location: 9q22.31.
Variant type: single nucleotide variant.
Coding change: c.3478G>A on transcript NM_006648.4 (MANE Select); coding-DNA position 3478, G replaced by A.
Protein change: p.Gly1160Ser; replaces glycine 1160 with serine.
Molecular consequence: missense variant.
Genome position (GRCh38, 1-based): chr9:93,263,633, G>A. VCF-style: chr9-93263633-G-A. GRCh37 (hg19) VCF-style: chr9-96025915-G-A.
Other names: c.3478G>A, p.Gly1160Ser (NM_001282394.3); short protein forms G1160S.
Identifiers: ClinVar variation 3981989 (VCV003981989.1).
Genomic context (GRCh38, chr9:93,263,633, plus strand): 5'-GGTTCTGATGTCACTTCTGGAAAAGAGCTGAGTGACAGCTGTGAAGGCGCCTTTGGAGGG[G>A]GCAGGCTGGAGGGCAGGGCAGCCCGAAAACACCACCGCAGGTCCACGCGTGCGCGCTCCC-3'
Protein context (NP_006639.3, residues 1150-1170): SDSCEGAFGG[Gly1160Ser]RLEGRAARKH

ClinVar aggregate classification (germline): Uncertain significance (1 of 4 stars; one submission).

gnomAD v4.1: 2 of 1,608,064 alleles (0.00012%); highest among the groups gnomAD compares: Middle Eastern, 0.016%; no homozygotes.

Submission:

Ambry Genetics
Classification: Uncertain significance. Last evaluated: 2025-05-04. Review status: criteria provided, single submitter. Criteria: Ambry Variant Classification Scheme 2023. Collection method: clinical testing. Allele origin: germline.
Comment: The p.G1160S variant (also known as c.3478G>A), located in coding exon 14 of the WNK2 gene, results from a G to A substitution at nucleotide position 3478. The glycine at codon 1160 is replaced by serine, an amino acid with similar properties. This amino acid position is conserved. In addition, the in silico prediction for this alteration is inconclusive. Based on the available evidence, the clinical significance of this variant remains unclear.